The following is an entry in ClinVar:

ClinVar aggregate classification (germline): Uncertain significance. Review status: criteria provided, multiple submitters, no conflicts (2 of 4 stars). 7 submissions from 7 submitters: Uncertain significance (7). Last evaluated 2025-12-29.

Conditions:
Lynch syndrome. Identifiers: Orphanet 144, MedGen C4552100, MONDO:0005835. Disease mechanism: loss of function.
Hereditary nonpolyposis colorectal neoplasms. Identifiers: MedGen C0009405, MeSH D003123.
Hereditary cancer-predisposing syndrome. Also called: Neoplastic Syndromes, Hereditary; Tumor predisposition; Hereditary Cancer Syndrome; Hereditary neoplastic syndrome. Identifiers: Orphanet 140162, MedGen C0027672, MeSH D009386, MONDO:0015356.
Endometrial carcinoma. Also called: Endometrial carcinoma, somatic. Identifiers: MedGen C0476089, MONDO:0002447, OMIM 608089, HP:0012114.

Allele frequency attached by ClinVar (database versions not stated): TOPMed below 0.00001.

Submissions (7):

Center for Genomic Medicine, Rigshospitalet, Copenhagen University Hospital
Classification: Uncertain significance. Last evaluated: 2025-12-29. Review status: criteria provided, single submitter. Criteria: ACMG Guidelines, 2015. Collection method: clinical testing. Allele origin: germline.
Comment: Classification criteria: BP4

Ambry Genetics
Classification: Uncertain significance for Hereditary cancer-predisposing syndrome. Last evaluated: 2024-02-13. Review status: criteria provided, single submitter. Criteria: Ambry Variant Classification Scheme 2023. Collection method: clinical testing. Allele origin: germline.
Comment: The p.V110I variant (also known as c.328G>A), located in coding exon 2 of the MSH6 gene, results from a G to A substitution at nucleotide position 328. The valine at codon 110 is replaced by isoleucine, an amino acid with highly similar properties. This alteration was identified in 2/1358 non-cancer control individuals and in 0/57 cases, in a study looking at cancer predisposition mutations in patients with cutaneous melanoma and a history of at least two additional non-cutaneous melanoma primary cancers (Pritchard AL et al. PLoS One, 2018 Apr;13:e0194098). This amino acid position is well conserved in available vertebrate species. In addition, this alteration is predicted to be tolerated by in silico analysis. Since supporting evidence is limited at this time, the clinical significance of this alteration remains unclear.

Labcorp Genetics (formerly Invitae), Labcorp
Classification: Uncertain significance for Hereditary nonpolyposis colorectal neoplasms. Last evaluated: 2024-01-25. Review status: criteria provided, single submitter. Criteria: Invitae Variant Classification Sherloc (09022015). Collection method: clinical testing. Allele origin: germline.
Comment: This sequence change replaces valine, which is neutral and non-polar, with isoleucine, which is neutral and non-polar, at codon 110 of the MSH6 protein (p.Val110Ile). This variant is not present in population databases (gnomAD no frequency). This variant has not been reported in the literature in individuals affected with MSH6-related conditions. ClinVar contains an entry for this variant (Variation ID: 231799). Advanced modeling of protein sequence and biophysical properties (such as structural, functional, and spatial information, amino acid conservation, physicochemical variation, residue mobility, and thermodynamic stability) performed at Invitae indicates that this missense variant is not expected to disrupt MSH6 protein function with a negative predictive value of 95%. In summary, the available evidence is currently insufficient to determine the role of this variant in disease. Therefore, it has been classified as a Variant of Uncertain Significance.

Baylor Genetics
Classification: Uncertain significance for Endometrial carcinoma. Last evaluated: 2024-01-17. Review status: criteria provided, single submitter. Criteria: ACMG Guidelines, 2015. Collection method: clinical testing. Allele origin: unknown.

All of Us Research Program, National Institutes of Health
Classification: Uncertain significance for Lynch syndrome. Last evaluated: 2023-12-01. Review status: criteria provided, single submitter. Criteria: ACMG Guidelines, 2015. Collection method: clinical testing. Allele origin: germline. Inheritance: Autosomal dominant inheritance. Observed: 1 variant allele, 1 heterozygote.
Comment: This study involves interpretation of variants in research participants for the purpose of population health screening. Participant phenotype was not available at the time of variant classification. Additional details can be found in publication PMID: 35346344, PMCID: PMC8962531

Women's Health and Genetics/Laboratory Corporation of America, LabCorp
Classification: Uncertain significance. Last evaluated: 2021-02-12. Review status: criteria provided, single submitter. Criteria: LabCorp Variant Classification Summary - May 2015. Collection method: clinical testing. Allele origin: germline.
Comment: Variant summary: MSH6 c.328G>A (p.Val110Ile) results in a conservative amino acid change located in the PWWP domain (IPR000313) of the encoded protein sequence. Four of five in-silico tools predict a benign effect of the variant on protein function. The variant was absent in 251488 control chromosomes (gnomAD). The available data on variant occurrences in the general population are insufficient to allow any conclusion about variant significance. To our knowledge, no occurrence of c.328G>A in individuals affected with Lynch Syndrome and no experimental evidence demonstrating its impact on protein function have been reported. Three clinical diagnostic laboratories have submitted clinical-significance assessments for this variant to ClinVar after 2014 without evidence for independent evaluation. All laboratories classified the variant as uncertain significance. Based on the evidence outlined above, the variant was classified as uncertain significance.

Color Diagnostics, LLC DBA Color Health
Classification: Uncertain significance for Hereditary cancer-predisposing syndrome. Last evaluated: 2019-04-09. Review status: criteria provided, single submitter. Criteria: ACMG Guidelines, 2015. Collection method: clinical testing. Allele origin: germline.

Literature cited by the submitters: PubMed 29641532 (cited by Ambry Genetics).

NM_000179.3(MSH6):c.328G>A (p.Val110Ile)

Gene: MSH6 (mutS homolog 6; plus strand). Cytogenetic location: 2p16.3.
Variant type: single nucleotide variant.
Coding change: c.328G>A on transcript NM_000179.3 (MANE Select); coding-DNA position 328, G replaced by A.
Protein change: p.Val110Ile; replaces valine 110 with isoleucine.
Molecular consequence: missense variant. On other transcripts: 5 prime UTR variant (2), intron variant (1).
Genome position (GRCh38, 1-based): chr2:47,790,994, G>A. VCF-style: chr2-47790994-G-A. GRCh37 (hg19) VCF-style: chr2-48018133-G-A.
Other names: c.-409G>A (NM_001281493.2); c.-575G>A (NM_001281494.2); c.237+7524G>A (NM_001281492.2); short protein forms V110I.
Identifiers: ClinVar variation 231799 (VCV000231799.22), dbSNP rs876659374, ClinGen allele CA10578032.